The following is an entry in ClinVar:

NM_000321.3(RB1):c.2709A>C (p.Glu903Asp)

Gene: RB1 (RB transcriptional corepressor 1; plus strand). Cytogenetic location: 13q14.2.
Variant type: single nucleotide variant.
Coding change: c.2709A>C on transcript NM_000321.3 (MANE Select); coding-DNA position 2709, A replaced by C.
Protein change: p.Glu903Asp; replaces glutamic acid 903 with aspartic acid.
Molecular consequence: missense variant.
Genome position (GRCh38, 1-based): chr13:48,477,400, A>C. VCF-style: chr13-48477400-A-C. GRCh37 (hg19) VCF-style: chr13-49051536-A-C.
Other names: c.2709A>C, p.Glu903Asp (NM_001407165.1); c.159A>C, p.Glu53Asp (NM_001407168.1); short protein forms E53D, E903D.
Identifiers: ClinVar variation 3313066 (VCV003313066.1).

ClinVar aggregate classification (germline): Uncertain significance (1 of 4 stars; one submission).

Conditions:
Hereditary cancer-predisposing syndrome. Also called: Neoplastic Syndromes, Hereditary; Tumor predisposition; Hereditary neoplastic syndrome; Hereditary Cancer Syndrome. Identifiers: Orphanet 140162, MedGen C0027672, MeSH D009386, MONDO:0015356.

Submission:

Ambry Genetics
Classification: Uncertain significance for Hereditary cancer-predisposing syndrome. Last evaluated: 2024-06-04. Review status: criteria provided, single submitter. Criteria: Ambry Variant Classification Scheme 2023. Collection method: clinical testing. Allele origin: germline.
Comment: The p.E903D variant (also known as c.2709A>C), located in coding exon 26 of the RB1 gene, results from an A to C substitution at nucleotide position 2709. The glutamic acid at codon 903 is replaced by aspartic acid, an amino acid with highly similar properties. This amino acid position is conserved. In addition, the in silico prediction for this alteration is inconclusive. Based on the available evidence, the clinical significance of this variant remains unclear.